The following is an entry in ClinVar:

ClinVar aggregate classification (germline): Likely pathogenic (1 of 4 stars; one submission).

Conditions:
Early-infantile DEE. Also called: Ohtahara syndrome; Early infantile epileptic encephalopathy with suppression bursts; Early infantile epileptic encephalopathy. Identifiers: Orphanet 1934, MedGen C0393706, MONDO:0800491.

Submission:

Labcorp Genetics (formerly Invitae), Labcorp
Classification: Likely pathogenic for Early-infantile DEE. Last evaluated: 2023-09-05. Review status: criteria provided, single submitter. Criteria: Invitae Variant Classification Sherloc (09022015). Collection method: clinical testing. Allele origin: germline.
Comment: This variant is not present in population databases (gnomAD no frequency). In summary, the currently available evidence indicates that the variant is pathogenic, but additional data are needed to prove that conclusively. Therefore, this variant has been classified as Likely Pathogenic. This variant disrupts the p.Phe1815 amino acid residue in SCN1A. Other variant(s) that disrupt this residue have been determined to be pathogenic (PMID: 31009440; Invitae). This suggests that this residue is clinically significant, and that variants that disrupt this residue are likely to be disease-causing. Advanced modeling of protein sequence and biophysical properties (such as structural, functional, and spatial information, amino acid conservation, physicochemical variation, residue mobility, and thermodynamic stability) performed at Invitae indicates that this missense variant is expected to disrupt SCN1A protein function. ClinVar contains an entry for this variant (Variation ID: 842847). This missense change has been observed in individual(s) with autosomal dominant SCN1A-related conditions (Invitae). This sequence change replaces phenylalanine, which is neutral and non-polar, with leucine, which is neutral and non-polar, at codon 1815 of the SCN1A protein (p.Phe1815Leu).

Literature cited by the submitters: PubMed 31009440.

NM_001165963.4(SCN1A):c.5443T>C (p.Phe1815Leu)

Genes: SCN1A (sodium voltage-gated channel alpha subunit 1; minus strand), LOC102724058 (uncharacterized LOC102724058; plus strand). Cytogenetic location: 2q24.3.
Variant type: single nucleotide variant.
Coding change: c.5443T>C on transcript NM_001165963.4 (MANE Select); coding-DNA position 5443, T replaced by C.
Protein change: p.Phe1815Leu; replaces phenylalanine 1815 with leucine.
Molecular consequence: missense variant. On other transcripts: non-coding transcript variant (1).
Genome position (GRCh38, 1-based): chr2:165,991,832, A>G on the plus strand (T>C on the coding strand, the complement: SCN1A is on the minus strand). VCF-style: chr2-165991832-A-G. GRCh37 (hg19) VCF-style: chr2-166848342-A-G.
Other names: c.5359T>C, p.Phe1787Leu (NM_001165964.3, NM_001353957.2, NM_001353958.2); c.5443T>C, p.Phe1815Leu (NM_001202435.3, NM_001353948.2); c.5410T>C, p.Phe1804Leu (NM_001353949.2, NM_001353950.2, NM_001353951.2 and 2 more transcripts); c.5407T>C, p.Phe1803Leu (NM_001353954.2, NM_001353955.2); c.5356T>C, p.Phe1786Leu (NM_001353960.2); c.3001T>C, p.Phe1001Leu (NM_001353961.2); short protein forms F1815L, F1001L, F1786L, F1787L, F1803L, F1804L.
Identifiers: ClinVar variation 842847 (VCV000842847.10), dbSNP rs1689211960, ClinGen allele CA349067536.